The following is an entry in ClinVar:

NM_000179.3(MSH6):c.3593C>T (p.Ala1198Val)

Gene: MSH6 (mutS homolog 6; plus strand). Cytogenetic location: 2p16.3.
Variant type: single nucleotide variant.
Coding change: c.3593C>T on transcript NM_000179.3 (MANE Select); coding-DNA position 3593, C replaced by T.
Protein change: p.Ala1198Val; replaces alanine 1198 with valine.
Molecular consequence: missense variant.
Genome position (GRCh38, 1-based): chr2:47,805,654, C>T. VCF-style: chr2-47805654-C-T. GRCh37 (hg19) VCF-style: chr2-48032793-C-T.
Other names: c.3203C>T, p.Ala1068Val (NM_001281492.2); c.2687C>T, p.Ala896Val (NM_001281493.2, NM_001281494.2, NM_001406811.1 and 6 more transcripts); c.3689C>T, p.Ala1230Val (NM_001406795.1, NM_001406802.1); c.3593C>T, p.Ala1198Val (NM_001406796.1, NM_001406800.1, NM_001406808.1 and 1 more transcripts); c.3296C>T, p.Ala1099Val (NM_001406797.1, NM_001406801.1, NM_001406805.1 and 10 more transcripts); c.3419C>T, p.Ala1140Val (NM_001406798.1); c.3068C>T, p.Ala1023Val (NM_001406799.1, NM_001406806.1, NM_001406807.1); c.2729C>T, p.Ala910Val (NM_001406803.1); and 7 more; short protein forms A1023V, A1068V, A1230V, A910V, A1099V, A1140V, A1142V, A1200V.
Identifiers: ClinVar variation 1733005 (VCV001733005.6), dbSNP rs2530823216, ClinGen allele CA346760541.
Genomic context (GRCh38, chr2:47,805,654, plus strand): 5'-ATTTGTGATTTTTTTTTTTTTAAGGTGAAAGTACATTTTTTGTTGAATTAAGTGAAACTG[C>T]CAGCATACTCATGCATGCAACAGCACATTCTCTGGTGCTTGTGGATGAATTAGGTAAGAC-3'
Protein context (NP_000170.1, residues 1188-1208): STFFVELSET[Ala1198Val]SILMHATAHS

ClinVar aggregate classification (germline): Uncertain significance. Review status: criteria provided, multiple submitters, no conflicts (2 of 4 stars). 3 submissions from 3 submitters: Uncertain significance (3). Last evaluated 2024-05-14.

Conditions:
Lynch syndrome. Identifiers: Orphanet 144, MedGen C4552100, MONDO:0005835. Disease mechanism: loss of function.
Hereditary nonpolyposis colorectal neoplasms. Identifiers: MedGen C0009405, MeSH D003123.
Hereditary cancer-predisposing syndrome. Also called: Neoplastic Syndromes, Hereditary; Tumor predisposition; Hereditary Cancer Syndrome; Hereditary neoplastic syndrome. Identifiers: Orphanet 140162, MedGen C0027672, MeSH D009386, MONDO:0015356.

Submissions (3):

All of Us Research Program, National Institutes of Health
Classification: Uncertain significance for Lynch syndrome. Last evaluated: 2024-05-14. Review status: criteria provided, single submitter. Criteria: ACMG Guidelines, 2015. Collection method: clinical testing. Allele origin: germline. Inheritance: Autosomal dominant inheritance. Observed: 1 variant allele, 1 heterozygote.
Comment: This missense variant replaces alanine with valine at codon 1198 of the MSH6 protein. Computational prediction suggests that this variant may have deleterious impact on protein structure and function (internally defined REVEL score threshold >= 0.7, PMID: 27666373). To our knowledge, functional studies have not been reported for this variant. This variant has not been reported in individuals affected with MSH6-related disorders in the literature. This variant has not been identified in the general population by the Genome Aggregation Database (gnomAD). The available evidence is insufficient to determine the role of this variant in disease conclusively. Therefore, this variant is classified as a Variant of Uncertain Significance.

This study involves interpretation of variants in research participants for the purpose of population health screening. Participant phenotype was not available at the time of variant classification. Additional details can be found in publication PMID: 35346344, PMCID: PMC8962531

Labcorp Genetics (formerly Invitae), Labcorp
Classification: Uncertain significance for Hereditary nonpolyposis colorectal neoplasms. Last evaluated: 2023-11-19. Review status: criteria provided, single submitter. Criteria: Invitae Variant Classification Sherloc (09022015). Collection method: clinical testing. Allele origin: germline.
Comment: This sequence change replaces alanine, which is neutral and non-polar, with valine, which is neutral and non-polar, at codon 1198 of the MSH6 protein (p.Ala1198Val). This variant is not present in population databases (gnomAD no frequency). This variant has not been reported in the literature in individuals affected with MSH6-related conditions. ClinVar contains an entry for this variant (Variation ID: 1733005). Advanced modeling of protein sequence and biophysical properties (such as structural, functional, and spatial information, amino acid conservation, physicochemical variation, residue mobility, and thermodynamic stability) performed at Invitae indicates that this missense variant is not expected to disrupt MSH6 protein function with a negative predictive value of 95%. In summary, the available evidence is currently insufficient to determine the role of this variant in disease. Therefore, it has been classified as a Variant of Uncertain Significance.

Ambry Genetics
Classification: Uncertain significance for Hereditary cancer-predisposing syndrome. Last evaluated: 2022-09-17. Review status: criteria provided, single submitter. Criteria: Ambry Variant Classification Scheme 2023. Collection method: clinical testing. Allele origin: germline.
Comment: The p.A1198V variant (also known as c.3593C>T), located in coding exon 7 of the MSH6 gene, results from a C to T substitution at nucleotide position 3593. The alanine at codon 1198 is replaced by valine, an amino acid with similar properties. This amino acid position is conserved. In addition, the in silico prediction for this alteration is inconclusive. Since supporting evidence is limited at this time, the clinical significance of this alteration remains unclear.